The following is an entry in ClinVar:

ClinVar aggregate classification (germline): Uncertain significance (1 of 4 stars; one submission).

Conditions:
Developmental and epileptic encephalopathy, 32 (DEE32). Also called: Epileptic encephalopathy, early infantile, 32. Identifiers: Orphanet 442835, MedGen C4225350, MONDO:0014607, OMIM 616366.

Submission:

Labcorp Genetics (formerly Invitae), Labcorp
Classification: Uncertain significance for Developmental and epileptic encephalopathy, 32. Last evaluated: 2022-05-20. Review status: criteria provided, single submitter. Criteria: Invitae Variant Classification Sherloc (09022015). Collection method: clinical testing. Allele origin: germline.
Comment: In summary, the available evidence is currently insufficient to determine the role of this variant in disease. Therefore, it has been classified as a Variant of Uncertain Significance. Advanced modeling of protein sequence and biophysical properties (such as structural, functional, and spatial information, amino acid conservation, physicochemical variation, residue mobility, and thermodynamic stability) performed at Invitae indicates that this missense variant is not expected to disrupt KCNA2 protein function. This variant has not been reported in the literature in individuals affected with KCNA2-related conditions. This variant is not present in population databases (gnomAD no frequency). This sequence change replaces tyrosine, which is neutral and polar, with phenylalanine, which is neutral and non-polar, at codon 205 of the KCNA2 protein (p.Tyr205Phe).

NM_004974.4(KCNA2):c.614A>T (p.Tyr205Phe)

Gene: KCNA2 (potassium voltage-gated channel subfamily A member 2; minus strand). Cytogenetic location: 1p13.3.
Variant type: single nucleotide variant.
Coding change: c.614A>T on transcript NM_004974.4 (MANE Select); coding-DNA position 614, A replaced by T.
Protein change: p.Tyr205Phe; replaces tyrosine 205 with phenylalanine.
Molecular consequence: missense variant.
Genome position (GRCh38, 1-based): chr1:110,604,169, T>A on the plus strand (A>T on the coding strand, the complement: KCNA2 is on the minus strand). VCF-style: chr1-110604169-T-A. GRCh37 (hg19) VCF-style: chr1-111146791-T-A.
Other names: c.614A>T, p.Tyr205Phe (NM_001204269.2); short protein forms Y205F.
Identifiers: ClinVar variation 2130274 (VCV002130274.4), dbSNP rs2524620282, ClinGen allele CA341603601.